The following is an entry in ClinVar:

NM_002473.6(MYH9):c.5722G>T (p.Asp1908Tyr)

Gene: MYH9 (myosin heavy chain 9; minus strand). Cytogenetic location: 22q12.3.
Variant type: single nucleotide variant.
Coding change: c.5722G>T on transcript NM_002473.6 (MANE Select); coding-DNA position 5722, G replaced by T.
Protein change: p.Asp1908Tyr; replaces aspartic acid 1908 with tyrosine.
Molecular consequence: missense variant.
Genome position (GRCh38, 1-based): chr22:36,284,136, C>A on the plus strand (G>T on the coding strand, the complement: MYH9 is on the minus strand). VCF-style: chr22-36284136-C-A. GRCh37 (hg19) VCF-style: chr22-36680182-C-A.
Other names: short protein forms D1908Y.
Identifiers: ClinVar variation 3075846 (VCV003075846.1), dbSNP rs1226192819, ClinGen allele CA411372485.

ClinVar aggregate classification (germline): Uncertain significance (1 of 4 stars; one submission).

Submission:

Laboratory for Molecular Medicine, Mass General Brigham Personalized Medicine
Classification: Uncertain significance. Last evaluated: 2022-06-10. Review status: criteria provided, single submitter. Criteria: ACMG Guidelines, 2015. Collection method: clinical testing. Allele origin: germline.
Comment: The p.Asp1908Tyr variant in MYH9 has not been previously reported in individuals with hearing loss and was absent from large population studies. Computational prediction tools and conservation analyses do not provide strong support for or against an impact to the protein. In summary, the clinical significance of this variant is uncertain. ACMG/AMP Criteria applied: PM2_P.